The following is an entry in ClinVar:

NM_201384.3(PLEC):c.1736A>G (p.Glu579Gly)

Gene: PLEC (plectin; minus strand). Cytogenetic location: 8q24.3.
Variant type: single nucleotide variant.
Coding change: c.1736A>G on transcript NM_201384.3 (MANE Select); coding-DNA position 1736, A replaced by G.
Protein change: p.Glu579Gly; replaces glutamic acid 579 with glycine.
Molecular consequence: missense variant.
Genome position (GRCh38, 1-based): chr8:143,932,794, T>C on the plus strand (A>G on the coding strand, the complement: PLEC is on the minus strand). VCF-style: chr8-143932794-T-C. GRCh37 (hg19) VCF-style: chr8-145006962-T-C.
Other names: c.1817A>G, p.Glu606Gly (NM_000445.5, NM_001410941.1); c.1694A>G, p.Glu565Gly (NM_201378.4); c.1670A>G, p.Glu557Gly (NM_201379.3); c.2147A>G, p.Glu716Gly (NM_201380.4); c.1640A>G, p.Glu547Gly (NM_201381.3); c.1736A>G, p.Glu579Gly (NM_201382.4); c.1748A>G, p.Glu583Gly (NM_201383.3); short protein forms E547G, E557G, E565G, E579G, E583G, E606G, E716G.
Identifiers: ClinVar variation 3760544 (VCV003760544.2).

ClinVar aggregate classification (germline): Uncertain significance (1 of 4 stars; one submission).

Conditions:
Epidermolysis bullosa simplex with nail dystrophy (EBS5D). Identifiers: MedGen C4225309, MONDO:0014661, OMIM 616487.
Epidermolysis bullosa simplex, Ogna type (EBS5A). Also called: EPIDERMOLYSIS BULLOSA SIMPLEX 5A, OGNA TYPE; Pidermolysis bullosa simplex 5A, Ogna type. Identifiers: Orphanet 79401, MedGen C0432317, MONDO:0007555, OMIM 131950.
Autosomal recessive limb-girdle muscular dystrophy type 2Q (LGMDR17). Also called: MUSCULAR DYSTROPHY, LIMB-GIRDLE, AUTOSOMAL RECESSIVE 17. Identifiers: Orphanet 254361, MedGen C3150989, MONDO:0013390, OMIM 613723.
Epidermolysis bullosa simplex 5B, with muscular dystrophy (EBS5B). Also called: EPIDERMOLYSIS BULLOSA SIMPLEX AND LIMB-GIRDLE MUSCULAR DYSTROPHY; Epidermolysis bullosa simplex with muscular dystrophy. Identifiers: Orphanet 257, MedGen C2931072, MONDO:0009181, OMIM 226670.
Epidermolysis bullosa simplex 5C, with pyloric atresia (EBS5C). Also called: PLEC1-Related Epidermolysis Bullosa with Pyloric Atresia; PLEC-Related Epidermolysis Bullosa with Pyloric Atresia; Epidermolysis bullosa simplex with pyloric atresia. Identifiers: Orphanet 158684, MedGen C2677349, MONDO:0012807, OMIM 612138.

gnomAD v4.1: 1 of 1,612,056 alleles (0.000062%); highest among the groups gnomAD compares: East Asian, 0.0022%; no homozygotes.

Submission:

Labcorp Genetics (formerly Invitae), Labcorp
Classification: Uncertain significance for Autosomal recessive limb-girdle muscular dystrophy type 2Q; Epidermolysis bullosa simplex, Ogna type; Epidermolysis bullosa simplex with nail dystrophy; Epidermolysis bullosa simplex 5C, with pyloric atresia; Epidermolysis bullosa simplex 5B, with muscular dystrophy. Last evaluated: 2024-04-11. Review status: criteria provided, single submitter. Criteria: Invitae Variant Classification Sherloc (09022015). Collection method: clinical testing. Allele origin: germline.
Comment: This sequence change replaces glutamic acid, which is acidic and polar, with glycine, which is neutral and non-polar, at codon 606 of the PLEC protein (p.Glu606Gly). This variant is present in population databases (rs781990105, gnomAD 0.006%). This variant has not been reported in the literature in individuals affected with PLEC-related conditions. Experimental studies and prediction algorithms are not available or were not evaluated, and the functional significance of this variant is currently unknown. In summary, the available evidence is currently insufficient to determine the role of this variant in disease. Therefore, it has been classified as a Variant of Uncertain Significance.